The following is an entry in ClinVar:

NM_033004.4(NLRP1):c.3151G>T (p.Val1051Leu)

Gene: NLRP1 (NLR family pyrin domain containing 1; minus strand). Cytogenetic location: 17p13.2.
Variant type: single nucleotide variant.
Coding change: c.3151G>T on transcript NM_033004.4 (MANE Select); coding-DNA position 3151, G replaced by T.
Protein change: p.Val1051Leu; replaces valine 1051 with leucine.
Molecular consequence: missense variant.
Genome position (GRCh38, 1-based): chr17:5,532,967, C>A on the plus strand (G>T on the coding strand, the complement: NLRP1 is on the minus strand). VCF-style: chr17-5532967-C-A. GRCh37 (hg19) VCF-style: chr17-5436287-C-A.
Other names: c.3163G>T, p.Val1055Leu (NM_001033053.3); c.3151G>T, p.Val1051Leu (NM_014922.5); c.3061G>T, p.Val1021Leu (NM_033006.4, NM_033007.4); short protein forms V1021L, V1051L, V1055L.
Identifiers: ClinVar variation 3019658 (VCV003019658.3), dbSNP rs757538360, ClinGen allele CA8326912.

ClinVar aggregate classification (germline): Uncertain significance (1 of 4 stars; one submission).

Allele frequency attached by ClinVar (database versions not stated): ExAC 0.00001; TOPMed 0.00002; gnomAD 0.00001.
gnomAD v4.1: 5 of 1,612,566 alleles (0.00031%); highest among the groups gnomAD compares: African/African-American, 0.0013%; no homozygotes.

Submission:

Labcorp Genetics (formerly Invitae), Labcorp
Classification: Uncertain significance. Last evaluated: 2025-05-19. Review status: criteria provided, single submitter. Criteria: Invitae Variant Classification Sherloc (09022015). Collection method: clinical testing. Allele origin: germline.
Comment: This sequence change replaces valine, which is neutral and non-polar, with leucine, which is neutral and non-polar, at codon 1051 of the NLRP1 protein (p.Val1051Leu). This variant is present in population databases (rs757538360, gnomAD 0.007%). This variant has not been reported in the literature in individuals affected with NLRP1-related conditions. ClinVar contains an entry for this variant (Variation ID: 3019658). An algorithm developed to predict the effect of missense changes on protein structure and function outputs the following: PolyPhen-2: "Benign". The leucine amino acid residue is found in multiple mammalian species, which suggests that this missense change does not adversely affect protein function. In summary, the available evidence is currently insufficient to determine the role of this variant in disease. Therefore, it has been classified as a Variant of Uncertain Significance.